The following is an entry in ClinVar:

ClinVar aggregate classification (germline): Uncertain significance (1 of 4 stars; one submission).

Conditions:
Distal hereditary motor neuropathy type 2. Identifiers: Orphanet 139525, MedGen C3711384, MeSH C580044, MONDO:0015352.

Submission:

Labcorp Genetics (formerly Invitae), Labcorp
Classification: Uncertain significance for Distal hereditary motor neuropathy type 2. Last evaluated: 2023-04-01. Review status: criteria provided, single submitter. Criteria: Invitae Variant Classification Sherloc (09022015). Collection method: clinical testing. Allele origin: germline.
Comment: This variant is not present in population databases (gnomAD no frequency). In summary, the available evidence is currently insufficient to determine the role of this variant in disease. Therefore, it has been classified as a Variant of Uncertain Significance. Advanced modeling of protein sequence and biophysical properties (such as structural, functional, and spatial information, amino acid conservation, physicochemical variation, residue mobility, and thermodynamic stability) performed at Invitae indicates that this missense variant is not expected to disrupt FBXO38 protein function. This variant has not been reported in the literature in individuals affected with FBXO38-related conditions. This sequence change replaces glutamic acid, which is acidic and polar, with lysine, which is basic and polar, at codon 150 of the FBXO38 protein (p.Glu150Lys).

NM_205836.3(FBXO38):c.448G>A (p.Glu150Lys)

Gene: FBXO38 (F-box protein 38; plus strand). Cytogenetic location: 5q32.
Variant type: single nucleotide variant.
Coding change: c.448G>A on transcript NM_205836.3 (MANE Select); coding-DNA position 448, G replaced by A.
Protein change: p.Glu150Lys; replaces glutamic acid 150 with lysine.
Molecular consequence: missense variant.
Genome position (GRCh38, 1-based): chr5:148,402,369, G>A. VCF-style: chr5-148402369-G-A. GRCh37 (hg19) VCF-style: chr5-147781932-G-A.
Other names: c.448G>A, p.Glu150Lys (NM_001271723.2, NM_030793.5); short protein forms E150K.
Identifiers: ClinVar variation 2915553 (VCV002915553.3), dbSNP rs2531709819, ClinGen allele CA361655039.